The following is an entry in ClinVar:

ClinVar aggregate classification (germline): Uncertain significance. Review status: reviewed by expert panel (3 of 4 stars). 4 submissions from 4 submitters: Uncertain significance (1). 3 of the submissions do not count toward it. Last evaluated 2025-10-28.

Conditions:
Hereditary cancer-predisposing syndrome. Also called: Tumor predisposition; Neoplastic Syndromes, Hereditary; Hereditary Cancer Syndrome; Hereditary neoplastic syndrome. Identifiers: Orphanet 140162, MedGen C0027672, MeSH D009386, MONDO:0015356.
DICER1-related tumor predisposition. Also called: DICER1 syndrome; DICER1-related pleuropulmonary blastoma cancer predisposition syndrome. Identifiers: Orphanet 284343, MedGen C3839822, MONDO:0100216.

Submissions (4):

ClinGen DICER1 and miRNA-Processing Gene Variant Curation Expert Panel, ClinGen
Classification: Uncertain significance for DICER1-related tumor predisposition. Last evaluated: 2025-10-28. Review status: reviewed by expert panel. Criteria: ClinGen DICER1 ACMG Specifications DICER1 V1.4.0. Collection method: curation. Allele origin: germline. Inheritance: Autosomal dominant inheritance.
Comment: The NM_177438.3:c.145-4C>T variant in DICER1 is an intronic variant occurring in intron 2. Although this variant has been observed in individuals undergoing genetic sequencing, to our knowledge, this variant has not been reported in individuals with DICER1-related tumor predisposition (PS4 not met; Internal lab contributors). This variant is absent from gnomAD v4.1.0 (PM2_Supporting). The splice site predictors MaxEntScan and SpliceAI indicate that the variant has no impact on splicing, evidence that does not predict a damaging effect on DICER1 function (BP4). In summary, this variant meets the criteria to be classified as Uncertain Significance for DICER1-related tumor predisposition based on the ACMG/AMP criteria applied, as specified by the ClinGen DICER1 VCEP: PM2_Supporting, BP4. (Bayesian Points: 0; VCEP specifications version 1.4.0; 10/28/2025).

Ambry Genetics
Classification: Likely benign for Hereditary cancer-predisposing syndrome. Last evaluated: 2026-02-09. Review status: criteria provided, single submitter. Criteria: Ambry Variant Classification Scheme 2023. Collection method: clinical testing. Allele origin: germline. Not counted in ClinVar's aggregate classification.

Labcorp Genetics (formerly Invitae), Labcorp
Classification: Likely benign for DICER1-related tumor predisposition. Last evaluated: 2023-10-23. Review status: criteria provided, single submitter. Criteria: Invitae Variant Classification Sherloc (09022015). Collection method: clinical testing. Allele origin: germline. Not counted in ClinVar's aggregate classification.

Sema4
Classification: Uncertain significance for Hereditary cancer-predisposing syndrome. Last evaluated: 2021-08-11. Review status: criteria provided, single submitter. Criteria: Sema4 Curation Guidelines. Collection method: curation. Allele origin: germline. Not counted in ClinVar's aggregate classification.
Comment: The DICER1 c.145-4C>T variant has not been reported in the literature to our knowledge. This variant is not reported in the population database Genome Aggregation Database (PMID: 32461654). The variant has been reported in ClinVar (Variation ID: 819257). In silico tools suggest the variant may not have effect on splicing, though these predictions have not been confirmed by functional studies. The evidence is insufficient to meet ACMG/AMP criteria for classifying the variant as benign or pathogenic. Thus, the clinical significance of this variant is currently uncertain.

NM_177438.3(DICER1):c.145-4C>T

Gene: DICER1 (dicer 1, ribonuclease III; minus strand). Cytogenetic location: 14q32.13.
Variant type: single nucleotide variant.
Coding change: c.145-4C>T on transcript NM_177438.3 (MANE Select); 4 bases into the intron before coding-DNA position 145, C replaced by T.
Molecular consequence: intron variant.
Genome position (GRCh38, 1-based): chr14:95,132,681, G>A on the plus strand (C>T on the coding strand, the complement: DICER1 is on the minus strand). VCF-style: chr14-95132681-G-A. GRCh37 (hg19) VCF-style: chr14-95599018-G-A.
Other names: c.145-4C>T (NM_001291628.2, NM_030621.4, NM_001271282.3 and 1 more transcripts).
Identifiers: ClinVar variation 819257 (VCV000819257.16), dbSNP rs1595466756, ClinGen allele CA915946431.
Genomic context (GRCh38, chr14:95,132,681, plus strand): 5'-GCCAGTGTTTAAACAGACGATGGTATTATGATCCAGAGCTGCTTCAAGCAGTTCAACCTA[G>A]AAACATGGTGAAAAAAAAGTTATGCACTTCTTACCTAAGTACAAAATTTATAAAATTGGA-3'